The following is an entry in ClinVar:

NM_001006658.3(CR2):c.3203A>C (p.Asp1068Ala)

Gene: CR2 (complement C3d receptor 2; plus strand). Cytogenetic location: 1q32.2.
Variant type: single nucleotide variant.
Coding change: c.3203A>C on transcript NM_001006658.3 (MANE Select); coding-DNA position 3203, A replaced by C.
Protein change: p.Asp1068Ala; replaces aspartic acid 1068 with alanine.
Molecular consequence: missense variant.
Genome position (GRCh38, 1-based): chr1:207,485,478, A>C. VCF-style: chr1-207485478-A-C. GRCh37 (hg19) VCF-style: chr1-207658823-A-C.
Other names: c.3026A>C, p.Asp1009Ala (NM_001877.5); short protein forms D1068A, D1009A.
Identifiers: ClinVar variation 961095 (VCV000961095.10), dbSNP rs756904762, ClinGen allele CA1369192.

ClinVar aggregate classification (germline): Uncertain significance. Review status: criteria provided, multiple submitters, no conflicts (2 of 4 stars). 4 submissions from 4 submitters: Uncertain significance (4). Last evaluated 2023-04-11.

Conditions:
Immunodeficiency, common variable, 7. Identifiers: Orphanet 1572, Orphanet 696894, MedGen C3542922, MONDO:0013862, OMIM 614699.
Inborn genetic diseases. Identifiers: MedGen C0950123, MeSH D030342.

Allele frequency attached by ClinVar (database versions not stated): gnomAD exomes 0.00002 and 0.00001; ExAC 0.00003; gnomAD 0.00009 and 0.00010; TOPMed 0.00014.
gnomAD v4.1: 29 of 1,608,122 alleles (0.0018%); highest among the groups gnomAD compares: African/African-American, 0.033%; no homozygotes.

Submissions (4):

Genome-Nilou Lab
Classification: Uncertain significance for Immunodeficiency, common variable, 7. Last evaluated: 2023-04-11. Review status: criteria provided, single submitter. Criteria: ACMG Guidelines, 2015. Collection method: clinical testing. Allele origin: germline. Affected: no.

Labcorp Genetics (formerly Invitae), Labcorp
Classification: Uncertain significance for Immunodeficiency, common variable, 7. Last evaluated: 2022-08-15. Review status: criteria provided, single submitter. Criteria: Invitae Variant Classification Sherloc (09022015). Collection method: clinical testing. Allele origin: germline.
Comment: This sequence change replaces aspartic acid, which is acidic and polar, with alanine, which is neutral and non-polar, at codon 1068 of the CR2 protein (p.Asp1068Ala). This variant is present in population databases (rs756904762, gnomAD 0.02%). This variant has not been reported in the literature in individuals affected with CR2-related conditions. ClinVar contains an entry for this variant (Variation ID: 961095). Algorithms developed to predict the effect of missense changes on protein structure and function (SIFT, PolyPhen-2, Align-GVGD) all suggest that this variant is likely to be tolerated. In summary, the available evidence is currently insufficient to determine the role of this variant in disease. Therefore, it has been classified as a Variant of Uncertain Significance.

Ambry Genetics
Classification: Uncertain significance for Inborn genetic diseases. Last evaluated: 2021-08-13. Review status: criteria provided, single submitter. Criteria: Ambry Variant Classification Scheme 2023. Collection method: clinical testing. Allele origin: germline.

Baylor Genetics
Classification: Uncertain significance for Immunodeficiency, common variable, 7. Last evaluated: 2018-02-06. Review status: criteria provided, single submitter. Criteria: ACMG Guidelines, 2015. Collection method: clinical testing. Allele origin: unknown. Affected: yes.
Comment: This variant was determined to be of uncertain significance according to ACMG Guidelines, 2015 [PMID:25741868].